The following is an entry in ClinVar:

NM_001079872.2(CUL4B):c.1207C>A (p.Leu403Ile)

Gene: CUL4B (cullin 4B; minus strand). Cytogenetic location: Xq24.
Variant type: single nucleotide variant.
Coding change: c.1207C>A on transcript NM_001079872.2 (MANE Select); coding-DNA position 1207, C replaced by A.
Protein change: p.Leu403Ile; replaces leucine 403 with isoleucine.
Molecular consequence: missense variant.
Genome position (GRCh38, 1-based): chrX:120,543,776, G>T on the plus strand (C>A on the coding strand, the complement: CUL4B is on the minus strand). VCF-style: chrX-120543776-G-T. GRCh37 (hg19) VCF-style: chrX-119677631-G-T.
Other names: c.1222C>A, p.Leu408Ile (NM_001330624.2); c.673C>A, p.Leu225Ile (NM_001369145.1); c.1261C>A, p.Leu421Ile (NM_003588.4); short protein forms L408I, L225I, L421I, L403I.
Identifiers: ClinVar variation 4991691 (VCV004991691.1).

ClinVar aggregate classification (germline): Uncertain significance (1 of 4 stars; one submission).

Conditions:
CUL4B-related disorder. Also called: CUL4B-related condition.

Submission:

PreventionGenetics, part of Exact Sciences
Classification: Uncertain significance for CUL4B-related condition. Last evaluated: 2026-04-12. Review status: criteria provided, single submitter. Criteria: ACMG Guidelines, 2015. Collection method: clinical testing. Allele origin: germline.
Comment: The CUL4B c.1261C>A variant is predicted to result in the amino acid substitution p.Leu421Ile. To our knowledge, this variant has not been reported in the literature or in a large population database (gnomAD), indicating this variant is rare. At this time, the clinical significance of this variant is uncertain due to the absence of conclusive functional and genetic evidence.